The following is an entry in ClinVar:

Conditions:
Breast-ovarian cancer, familial, susceptibility to, 1 (BROVCA1). Also called: BRCA1 Hereditary Breast and Ovarian Cancer; OVARIAN CANCER, SUSCEPTIBILITY TO. Identifiers: Orphanet 145, MedGen C2676676, MONDO:0011450, OMIM 604370. Disease mechanism: loss of function.

Submission:

Brotman Baty Institute, University of Washington
No classification provided (evidence only). Condition: Breast-ovarian cancer, familial 1. Review status: no classification provided. Collection method: in vitro. Allele origin: not applicable. Functional consequence: functionally_normal.
ClinVar note: "not provided" was previously submitted as the classification for the variant. However, the classification appeared to be based only on an observation of functional data so it was converted to no classification on 2025-07-30.

NM_007294.4(BRCA1):c.5226T>A (p.Asn1742Lys)

Gene: BRCA1 (BRCA1 DNA repair associated; minus strand). Cytogenetic location: 17q21.31.
Variant type: single nucleotide variant.
Coding change: c.5226T>A on transcript NM_007294.4 (MANE Select); coding-DNA position 5226, T replaced by A.
Protein change: p.Asn1742Lys; replaces asparagine 1742 with lysine.
Molecular consequence: missense variant. On other transcripts: non-coding transcript variant (1).
Genome position (GRCh38, 1-based): chr17:43,057,103, A>T on the plus strand (T>A on the coding strand, the complement: BRCA1 is on the minus strand). VCF-style: chr17-43057103-A-T. GRCh37 (hg19) VCF-style: chr17-41209120-A-T.
Other names: c.1770T>A, p.Asn590Lys (NM_001408470.1, NM_001408468.1, NM_001408469.1); c.1914T>A, p.Asn638Lys (NM_001408472.1, NM_007298.4, NM_007299.4 and 13 more transcripts); c.1911T>A, p.Asn637Lys (NM_001408473.1, NM_001408392.1, NM_001408396.1 and 8 more transcripts); c.1716T>A, p.Asn572Lys (NM_001408474.1); c.1713T>A, p.Asn571Lys (NM_001408475.1, NM_001408476.1); c.1704T>A, p.Asn568Lys (NM_001408491.1, NM_001408481.1, NM_001408482.1 and 5 more transcripts); c.1701T>A, p.Asn567Lys (NM_001408492.1, NM_001408493.1); c.1677T>A, p.Asn559Lys (NM_001408494.1); and 72 more; short protein forms N1695K, N1763K, N638K, N1742K, N1573K, N1631K, N1653K, N1670K.
Identifiers: ClinVar variation 865178 (VCV000865178.3), dbSNP rs2051517669, ClinGen allele CA10591092.